The following is an entry in ClinVar:

ClinVar aggregate classification (germline): Uncertain significance (1 of 4 stars; one submission).

Conditions:
Periodic fever-infantile enterocolitis-autoinflammatory syndrome. Also called: Autoinflammation with infantile enterocolitis. Identifiers: Orphanet 436166, MedGen C4015067, MONDO:0014472, OMIM 616050.
Familial cold autoinflammatory syndrome 4 (FCAS4). Identifiers: Orphanet 47045, Orphanet 576349, MedGen C4015276, MONDO:0014498, OMIM 616115.

Allele frequency attached by ClinVar (database versions not stated): gnomAD exomes below 0.00001.
gnomAD v4.1: 2 of 1,613,740 alleles (0.00012%); highest among the groups gnomAD compares: East Asian, 0.0045%; no homozygotes.

Submission:

Labcorp Genetics (formerly Invitae), Labcorp
Classification: Uncertain significance for Periodic fever-infantile enterocolitis-autoinflammatory syndrome; Familial cold autoinflammatory syndrome 4. Last evaluated: 2023-03-17. Review status: criteria provided, single submitter. Criteria: Invitae Variant Classification Sherloc (09022015). Collection method: clinical testing. Allele origin: germline.
Comment: An algorithm developed to predict the effect of missense changes on protein structure and function (PolyPhen-2) suggests that this variant is likely to be tolerated. In summary, the available evidence is currently insufficient to determine the role of this variant in disease. Therefore, it has been classified as a Variant of Uncertain Significance. This variant has not been reported in the literature in individuals affected with NLRC4-related conditions. This variant is not present in population databases (gnomAD no frequency). This sequence change replaces threonine, which is neutral and polar, with alanine, which is neutral and non-polar, at codon 18 of the NLRC4 protein (p.Thr18Ala).

NM_001199138.2(NLRC4):c.52A>G (p.Thr18Ala)

Gene: NLRC4 (NLR family CARD domain containing 4; minus strand). Cytogenetic location: 2p22.3.
Variant type: single nucleotide variant.
Coding change: c.52A>G on transcript NM_001199138.2 (MANE Select); coding-DNA position 52, A replaced by G.
Protein change: p.Thr18Ala; replaces threonine 18 with alanine.
Molecular consequence: missense variant.
Genome position (GRCh38, 1-based): chr2:32,252,629, T>C on the plus strand (A>G on the coding strand, the complement: NLRC4 is on the minus strand). VCF-style: chr2-32252629-T-C. GRCh37 (hg19) VCF-style: chr2-32477698-T-C.
Other names: c.52A>G, p.Thr18Ala (NM_001199139.2, NM_001302504.2, NM_021209.5); short protein forms T18A.
Identifiers: ClinVar variation 2945395 (VCV002945395.3), dbSNP rs2148943911, ClinGen allele CA346517102.